The following is an entry in ClinVar:

NM_001374736.1(DST):c.22715G>A (p.Arg7572His)

Gene: DST (dystonin; minus strand). Cytogenetic location: 6p12.1.
Variant type: single nucleotide variant.
Coding change: c.22715G>A on transcript NM_001374736.1 (MANE Select); coding-DNA position 22715, G replaced by A.
Protein change: p.Arg7572His; replaces arginine 7572 with histidine.
Molecular consequence: missense variant. On other transcripts: intron variant (7).
Genome position (GRCh38, 1-based): chr6:56,464,729, C>T on the plus strand (G>A on the coding strand, the complement: DST is on the minus strand). VCF-style: chr6-56464729-C-T. GRCh37 (hg19) VCF-style: chr6-56329527-C-T.
Other names: c.21755G>A, p.Arg7252His (NM_001374729.1); c.15497G>A, p.Arg5166His (NM_001374730.1); c.16331-965G>A (NM_001144769.5); c.22688-965G>A (NM_001374722.1); c.22715-965G>A (NM_001374734.1); c.15917-965G>A (NM_001144770.2); c.15779-965G>A (NM_001386100.1); c.15797-965G>A (NM_183380.4); and 1 more; short protein forms R5166H, R7572H, R7252H.
Identifiers: ClinVar variation 4984995 (VCV004984995.1).

ClinVar aggregate classification (germline): Likely benign (1 of 4 stars; one submission).

Conditions:
DST-related disorder. Also called: DST-related disorders; DST-related condition.

gnomAD v4.1: 263 of 1,599,648 alleles (0.016%); highest among the groups gnomAD compares: Admixed American, 0.038%; no homozygotes.

Submission:

PreventionGenetics, part of Exact Sciences
Classification: Likely benign for DST-related condition. Last evaluated: 2025-12-02. Review status: criteria provided, single submitter. Criteria: ACMG Guidelines, 2015. Collection method: clinical testing. Allele origin: germline.
Comment: This variant is classified as likely benign based on ACMG/AMP sequence variant interpretation guidelines (Richards et al. 2015 PMID: 25741868, with internal and published modifications).